The following is an entry in ClinVar:

ClinVar aggregate classification (germline): Conflicting classifications of pathogenicity. Review status: criteria provided, conflicting classifications (1 of 4 stars). 7 submissions from 7 submitters: Likely pathogenic (3); Uncertain significance (4). Last evaluated 2026-04-11.

Conditions:
Hereditary cancer-predisposing syndrome. Also called: Hereditary neoplastic syndrome; Hereditary Cancer Syndrome; Neoplastic Syndromes, Hereditary; Tumor predisposition. Identifiers: Orphanet 140162, MedGen C0027672, MeSH D009386, MONDO:0015356.
Fumarase deficiency (FMRD). Also called: Fumaric aciduria; Fumarate Hydratase Deficiency. Identifiers: Orphanet 24, MedGen C0342770, MONDO:0011730, OMIM 606812.
Hereditary leiomyomatosis and renal cell cancer. Also called: MULTIPLE CUTANEOUS AND UTERINE LEIOMYOMATA 1, WITH OR WITHOUT RENAL CELL CARCINOMA; Familial leiomyomatosis; FH tumor predisposition syndrome; LEIOMYOMA, MULTIPLE CUTANEOUS; Multiple cutaneous leiomyomas; Reed syndrome. Identifiers: Orphanet 523, MedGen C1708350, MONDO:0007888, OMIM 150800, HP:0007437. Disease mechanism: loss of function.

Allele frequency attached by ClinVar (database versions not stated): gnomAD 0.00001.

Submissions (7):

Ambry Genetics
Classification: Uncertain significance for Hereditary cancer-predisposing syndrome. Last evaluated: 2026-04-11. Review status: criteria provided, single submitter. Criteria: Ambry Variant Classification Scheme 2023. Collection method: clinical testing. Allele origin: germline.
Comment: The p.M1? variant (also known as c.1A>G), located in coding exon 1 of the FH gene, results from a A to G substitution at nucleotide position 1. This alters the methionine residue at the initiation codon. Variations that modify the initiation codon (ATG) are expected to result in either loss of translation initiation, N-terminal truncation, or cause a shift in the mRNA reading frame; however, there is an alternate in-frame methionine 44 amino acids from the initiation site. Proteins initiated from the first methionine are targeted to the mitochondrion while proteins initiated from the second methionine are targeted to the cytoplasm due to the lack of the mitochondrial targeting sequence encoded between them (Dik E et al. Traffic, 2016 Jul;17:720-32, Magrane M et al., Database (Oxford) 2011; bar009). Data suggest that it is the cytoplasmic protein that conveys the tumor suppressor function of FH (Yogev O et al. PLoS Biol., 2010 Mar;8:e1000328). This nucleotide position is highly conserved in available vertebrate species. Based on the available evidence, the clinical significance of this variant remains unclear.

Natera, Inc.
Classification: Likely pathogenic for Fumarase Deficiency. Last evaluated: 2026-01-12. Review status: criteria provided, single submitter. Criteria: Natera Variant Classification Schema (03/2026). Collection method: clinical testing. Allele origin: germline.
Comment: The c.1A>G variant in FH is predicted to result in start loss due to disruption of the initiator methionine. This variant is expected to result in nonsense mediated decay, truncation, or a dysfunctional protein product. This variant is rare in the general population with a frequency below the threshold expected for the associated phenotype(s). Given the available evidence, this variant is classified as Likely Pathogenic.

Labcorp Genetics (formerly Invitae), Labcorp
Classification: Likely pathogenic. Last evaluated: 2025-08-24. Review status: criteria provided, single submitter. Criteria: Invitae Variant Classification Sherloc (09022015). Collection method: clinical testing. Allele origin: germline.
Comment: This sequence change affects the initiator codon of the FH mRNA. This change may impact translation initiation or efficiency. The next in-frame methionine is located at codon 44. FH has two initiator codons, p.Met1 and p.Met44, which result in two different functional isoforms that localize to the mitochondria and cytosol, respectively (PMID: 21929734, 27037871). Loss-of-function variants in FH are known to be pathogenic (PMID: 11865300, 21398687). Variants affecting the mitochondrial isoform confer risk for fumarate hydratase deficiency, while variants that affect the cytosolic isoform confer risk for FH tumor predisposition syndrome. This variant is present in population databases (no rsID available, gnomAD 0.009%). A different variant (c.1A>C) giving rise to the same protein effect has been determined to be pathogenic (PMID: 27037871). This suggests that this variant is also likely to be causative of disease. ClinVar contains an entry for this variant (Variation ID: 237113). This variant disrupts the mitochondria-targeting sequence (MTS) of the FH protein, which is important for protein import into the mitochondria (PMID: 27037871). This suggests that disruption of this region is causative of fumarate hydratase deficiency. In summary, the currently available evidence indicates that the variant is pathogenic, but additional data are needed to prove that conclusively. Therefore, this variant has been classified as Likely Pathogenic for autosomal recessive fumarate hydratase deficiency. However, this variant is not likely to confer risk for autosomal dominant FH tumor predisposition syndrome.

Fulgent Genetics
Classification: Likely pathogenic for Hereditary leiomyomatosis and renal cell cancer; Fumarase deficiency. Last evaluated: 2024-03-05. Review status: criteria provided, single submitter. Criteria: ACMG Guidelines, 2015. Collection method: clinical testing. Allele origin: germline.

GeneDx
Classification: Uncertain significance. Last evaluated: 2023-10-03. Review status: criteria provided, single submitter. Criteria: GeneDx Variant Classification Process June 2021. Collection method: clinical testing. Allele origin: germline. Affected: yes.
Comment: Not observed at significant frequency in large population cohorts (gnomAD); Initiation codon variant in a gene for which loss of function is a known mechanism of disease but an alternate initiation codon at Met44 could serve as an in-frame site (Dik et al., 2016); Published functional studies demonstrate that when this alternate start codon is used there is aberrant localization of the FH protein exclusively to the cytosol, without any mitochondrial targeting (Dik et al., 2016); This variant is associated with the following publications: (PMID: 27037871)

Quest Diagnostics Nichols Institute San Juan Capistrano
Classification: Uncertain significance. Last evaluated: 2021-08-25. Review status: criteria provided, single submitter. Criteria: Quest Diagnostics criteria. Collection method: clinical testing. Allele origin: unknown.

Juno Genomics, Hangzhou Juno Genomics, Inc
Classification: Uncertain significance for Fumarase deficiency; Hereditary leiomyomatosis and renal cell cancer. Review status: criteria provided, single submitter. Criteria: ACMG Guidelines, 2015. Collection method: clinical testing. Allele origin: germline.
Comment: Absent from controls (or at extremely low frequency if recessive) in Genome Aggregation Database.;Null variant in a gene where loss of function (LOF) is a known mechanism of disease.

Literature cited by the submitters: PubMed 21447597 (cited by Ambry Genetics); PubMed 21929734 (cited by Ambry Genetics and Labcorp Genetics (formerly Invitae), Labcorp); PubMed 27037871 (cited by 3 submitters); PubMed 31844177 (cited by Ambry Genetics); PubMed 11865300 (cited by Labcorp Genetics (formerly Invitae), Labcorp); PubMed 21398687 (cited by Labcorp Genetics (formerly Invitae), Labcorp).

NM_000143.4(FH):c.1A>G (p.Met1Val)

Gene: FH (fumarate hydratase; minus strand). Cytogenetic location: 1q43.
Variant type: single nucleotide variant.
Coding change: c.1A>G on transcript NM_000143.4 (MANE Select); coding-DNA position 1, A replaced by G.
Protein change: p.Met1Val; changes the start codon (methionine 1).
Molecular consequence: missense variant, initiator codon variant.
Genome position (GRCh38, 1-based): chr1:241,519,722, T>C on the plus strand (A>G on the coding strand, the complement: FH is on the minus strand). VCF-style: chr1-241519722-T-C. GRCh37 (hg19) VCF-style: chr1-241683022-T-C.
Other names: short protein forms M1V.
Identifiers: ClinVar variation 237113 (VCV000237113.18), dbSNP rs776806414, ClinGen allele CA10581788.